The following is an entry in ClinVar:

ClinVar aggregate classification (germline): Benign/Likely benign. Review status: criteria provided, multiple submitters, no conflicts (2 of 4 stars). 4 submissions from 4 submitters: Benign (1); Likely benign (3). Last evaluated 2025-01-26.

Conditions:
Hereditary cancer-predisposing syndrome. Also called: Hereditary neoplastic syndrome; Neoplastic Syndromes, Hereditary; Tumor predisposition; Hereditary Cancer Syndrome. Identifiers: Orphanet 140162, MedGen C0027672, MeSH D009386, MONDO:0015356.
Familial adenomatous polyposis 1 (FAP1). Also called: POLYPOSIS, ADENOMATOUS INTESTINAL; FAMILIAL ADENOMATOUS POLYPOSIS 1, ATTENUATED. Identifiers: MedGen C2713442, MONDO:0021056, OMIM 175100. Disease mechanism: loss of function.

Allele frequency attached by ClinVar (database versions not stated): gnomAD exomes below 0.00001.
gnomAD v4.1: 1 of 1,614,170 alleles (0.000062%); highest among the groups gnomAD compares: Non-Finnish European, 0.000085%; no homozygotes.

Submissions (4):

Labcorp Genetics (formerly Invitae), Labcorp
Classification: Likely benign for Familial adenomatous polyposis 1. Last evaluated: 2025-01-26. Review status: criteria provided, single submitter. Criteria: Invitae Variant Classification Sherloc (09022015). Collection method: clinical testing. Allele origin: germline.

Myriad Genetics, Inc.
Classification: Benign for Familial adenomatous polyposis 1. Last evaluated: 2024-03-28. Review status: criteria provided, single submitter. Criteria: Myriad Autosomal Dominant, Autosomal Recessive and X-Linked Classification Criteria (2023). Collection method: clinical testing. Allele origin: unknown.
Comment: This variant is considered benign. This variant is a silent/synonymous amino acid change and it is not expected to impact splicing.

Sema4
Classification: Likely benign for Hereditary cancer-predisposing syndrome. Last evaluated: 2021-11-13. Review status: criteria provided, single submitter. Criteria: Sema4 Curation Guidelines. Collection method: curation. Allele origin: germline.

Ambry Genetics
Classification: Likely benign for Hereditary cancer-predisposing syndrome. Last evaluated: 2021-03-15. Review status: criteria provided, single submitter. Criteria: Ambry Variant Classification Scheme 2023. Collection method: clinical testing. Allele origin: germline.

NM_000038.6(APC):c.4932T>G (p.Val1644=)

Gene: APC (APC regulator of Wnt signaling pathway; plus strand). Cytogenetic location: 5q22.2.
Variant type: single nucleotide variant.
Coding change: c.4932T>G on transcript NM_000038.6 (MANE Select); coding-DNA position 4932, T replaced by G.
Protein change: p.Val1644=; no amino-acid change (valine 1644 retained).
Molecular consequence: synonymous variant.
Genome position (GRCh38, 1-based): chr5:112,840,526, T>G. VCF-style: chr5-112840526-T-G. GRCh37 (hg19) VCF-style: chr5-112176223-T-G.
Other names: c.4932T>G, p.Val1644= (NM_001127510.3, NM_001354895.2); c.4878T>G, p.Val1626= (NM_001127511.3); c.4986T>G, p.Val1662= (NM_001354896.2); c.4962T>G, p.Val1654= (NM_001354897.2); c.4857T>G, p.Val1619= (NM_001354898.2); c.4848T>G, p.Val1616= (NM_001354899.2); c.4809T>G, p.Val1603= (NM_001354900.2); c.4755T>G, p.Val1585= (NM_001354901.2); and 5 more.
Identifiers: ClinVar variation 469984 (VCV000469984.12), dbSNP rs1554086321, ClinGen allele CA446208701.